The following is an entry in ClinVar:

ClinVar aggregate classification (germline): Uncertain significance (1 of 4 stars; one submission).

Conditions:
Spastic paraplegia. Identifiers: MedGen C0037772, HP:0001258.

gnomAD v4.1: 2 of 1,611,566 alleles (0.00012%); highest among the groups gnomAD compares: Non-Finnish European, 0.00017%; no homozygotes.

Submission:

Labcorp Genetics (formerly Invitae), Labcorp
Classification: Uncertain significance for Spastic paraplegia. Last evaluated: 2025-01-06. Review status: criteria provided, single submitter. Criteria: Invitae Variant Classification Sherloc (09022015). Collection method: clinical testing. Allele origin: germline.
Comment: This sequence change replaces aspartic acid, which is acidic and polar, with glycine, which is neutral and non-polar, at codon 420 of the RTN2 protein (p.Asp420Gly). This variant is not present in population databases (gnomAD no frequency). This variant has not been reported in the literature in individuals affected with RTN2-related conditions. ClinVar contains an entry for this variant (Variation ID: 1041679). An algorithm developed to predict the effect of missense changes on protein structure and function (PolyPhen-2) suggests that this variant is likely to be disruptive. In summary, the available evidence is currently insufficient to determine the role of this variant in disease. Therefore, it has been classified as a Variant of Uncertain Significance.

NM_005619.5(RTN2):c.1259A>G (p.Asp420Gly)

Genes: OPA3-RTN2 (OPA3-RTN2 readthrough; minus strand), RTN2 (reticulon 2; minus strand). Cytogenetic location: 19q13.32.
Variant type: single nucleotide variant.
Coding change: c.1259A>G on transcript NM_005619.5 (MANE Select); coding-DNA position 1259, A replaced by G.
Protein change: p.Asp420Gly; replaces aspartic acid 420 with glycine.
Molecular consequence: missense variant.
Genome position (GRCh38, 1-based): chr19:45,488,969, T>C on the plus strand (A>G on the coding strand, the complement: RTN2 is on the minus strand). VCF-style: chr19-45488969-T-C. GRCh37 (hg19) VCF-style: chr19-45992227-T-C.
Other names: c.1040A>G, p.Asp347Gly (NM_206900.3); c.239A>G, p.Asp80Gly (NM_206901.3); short protein forms D347G, D420G, D80G.
Identifiers: ClinVar variation 1041679 (VCV001041679.7), dbSNP rs1968091401, ClinGen allele CA406355730.